The following is an entry in ClinVar:

ClinVar aggregate classification (germline): Likely benign (1 of 4 stars; one submission).

gnomAD v4.1: 31 of 1,209,555 alleles (0.0026%); highest among the groups gnomAD compares: Admixed American, 0.02%; no homozygotes.

Submission:

CeGaT Center for Human Genetics Tuebingen
Classification: Likely benign. Last evaluated: 2026-04-01. Review status: criteria provided, single submitter. Criteria: CeGaT Center For Human Genetics Tuebingen Variant Classification Criteria Version 2. Collection method: clinical testing. Allele origin: germline. Affected: yes. Observed: 1 variant allele.
Comment: RAB39B: BS2

NM_171998.4(RAB39B):c.531G>T (p.Arg177Ser)

Gene: RAB39B (RAB39B, member RAS oncogene family; minus strand). Cytogenetic location: Xq28.
Variant type: single nucleotide variant.
Coding change: c.531G>T on transcript NM_171998.4 (MANE Select); coding-DNA position 531, G replaced by T.
Protein change: p.Arg177Ser; replaces arginine 177 with serine.
Molecular consequence: missense variant.
Genome position (GRCh38, 1-based): chrX:155,260,914, C>A on the plus strand (G>T on the coding strand, the complement: RAB39B is on the minus strand). VCF-style: chrX-155260914-C-A. GRCh37 (hg19) VCF-style: chrX-154490199-C-A.
Other names: short protein forms R177S.
Identifiers: ClinVar variation 4873389 (VCV004873389.2).